The following is an entry in ClinVar:

NM_004360.5(CDH1):c.1430T>A (p.Val477Glu)

Gene: CDH1 (cadherin 1; plus strand). Cytogenetic location: 16q22.1.
Variant type: single nucleotide variant.
Coding change: c.1430T>A on transcript NM_004360.5 (MANE Select); coding-DNA position 1430, T replaced by A.
Protein change: p.Val477Glu; replaces valine 477 with glutamic acid.
Molecular consequence: missense variant. On other transcripts: 5 prime UTR variant (2).
Genome position (GRCh38, 1-based): chr16:68,815,624, T>A. VCF-style: chr16-68815624-T-A. GRCh37 (hg19) VCF-style: chr16-68849527-T-A.
Other names: c.1247T>A, p.Val416Glu (NM_001317184.2); c.-119T>A (NM_001317185.2); c.-390T>A (NM_001317186.2); short protein forms V416E, V477E.
Identifiers: ClinVar variation 948908 (VCV000948908.10), dbSNP rs1960963485, ClinGen allele CA396462998.

ClinVar aggregate classification (germline): Uncertain significance (1 of 4 stars; one submission).

Conditions:
Hereditary diffuse gastric adenocarcinoma (HDGC). Also called: DIFFUSE GASTRIC AND LOBULAR BREAST CANCER SYNDROME. Identifiers: Orphanet 26106, MedGen C1708349, MONDO:0007648, OMIM 137215.

Submission:

Labcorp Genetics (formerly Invitae), Labcorp
Classification: Uncertain significance for Hereditary diffuse gastric adenocarcinoma. Last evaluated: 2019-05-14. Review status: criteria provided, single submitter. Criteria: Invitae Variant Classification Sherloc (09022015). Collection method: clinical testing. Allele origin: germline.
Comment: In summary, the available evidence is currently insufficient to determine the role of this variant in disease. Therefore, it has been classified as a Variant of Uncertain Significance. Algorithms developed to predict the effect of missense changes on protein structure and function (SIFT, PolyPhen-2, Align-GVGD) all suggest that this variant is likely to be disruptive, but these predictions have not been confirmed by published functional studies and their clinical significance is uncertain. This variant has not been reported in the literature in individuals with CDH1-related conditions. This variant is not present in population databases (ExAC no frequency). This sequence change replaces valine with glutamic acid at codon 477 of the CDH1 protein (p.Val477Glu). The valine residue is highly conserved and there is a moderate physicochemical difference between valine and glutamic acid.